The following is an entry in ClinVar:

ClinVar aggregate classification (germline): Likely pathogenic (1 of 4 stars; one submission).

Submission:

Labcorp Genetics (formerly Invitae), Labcorp
Classification: Likely pathogenic. Last evaluated: 2023-10-03. Review status: criteria provided, single submitter. Criteria: Invitae Variant Classification Sherloc (09022015). Collection method: clinical testing. Allele origin: germline.
Comment: This sequence change affects a donor splice site in intron 17 of the OTOG gene. It is expected to disrupt RNA splicing. Variants that disrupt the donor or acceptor splice site typically lead to a loss of protein function (PMID: 16199547), and loss-of-function variants in OTOG are known to be pathogenic (PMID: 23122587). This variant is not present in population databases (gnomAD no frequency). This variant has not been reported in the literature in individuals affected with OTOG-related conditions. ClinVar contains an entry for this variant (Variation ID: 2031304). Algorithms developed to predict the effect of sequence changes on RNA splicing suggest that this variant may disrupt the consensus splice site. In summary, the currently available evidence indicates that the variant is pathogenic, but additional data are needed to prove that conclusively. Therefore, this variant has been classified as Likely Pathogenic.

Literature cited by the submitters: PubMed 16199547; PubMed 23122587.

NM_001292063.2(OTOG):c.2080+2T>G

Gene: OTOG (otogelin; plus strand). Cytogenetic location: 11p15.1.
Variant type: single nucleotide variant.
Coding change: c.2080+2T>G on transcript NM_001292063.2 (MANE Select); the canonical splice donor site of the intron after coding-DNA position 2080, T replaced by G.
Molecular consequence: splice donor variant.
Genome position (GRCh38, 1-based): chr11:17,572,206, T>G. VCF-style: chr11-17572206-T-G. GRCh37 (hg19) VCF-style: chr11-17593753-T-G.
Other names: c.2116+2T>G (NM_001277269.2).
Identifiers: ClinVar variation 2031304 (VCV002031304.4), dbSNP rs2497419394, ClinGen allele CA379769155.